The following is an entry in ClinVar:

NM_001556.3(IKBKB):c.1240C>G (p.Leu414Val)

Gene: IKBKB (inhibitor of nuclear factor kappa B kinase subunit beta; plus strand). Cytogenetic location: 8p11.21.
Variant type: single nucleotide variant.
Coding change: c.1240C>G on transcript NM_001556.3 (MANE Select); coding-DNA position 1240, C replaced by G.
Protein change: p.Leu414Val; replaces leucine 414 with valine.
Molecular consequence: missense variant. On other transcripts: non-coding transcript variant (3).
Genome position (GRCh38, 1-based): chr8:42,317,771, C>G. VCF-style: chr8-42317771-C-G. GRCh37 (hg19) VCF-style: chr8-42175289-C-G.
Other names: c.1048C>G, p.Leu350Val (NM_001190720.3); c.1063C>G, p.Leu355Val (NM_001242778.2); short protein forms L355V, L350V, L414V.
Identifiers: ClinVar variation 4718550 (VCV004718550.1).

ClinVar aggregate classification (germline): Uncertain significance (1 of 4 stars; one submission).

Conditions:
Severe combined immunodeficiency due to IKK2 deficiency. Also called: Immunodeficiency 15; IMMUNODEFICIENCY 15B. Identifiers: Orphanet 397787, MedGen C4747743, MONDO:0014267, OMIM 615592.

Submission:

Labcorp Genetics (formerly Invitae), Labcorp
Classification: Uncertain significance for Severe combined immunodeficiency due to IKK2 deficiency. Last evaluated: 2025-04-28. Review status: criteria provided, single submitter. Criteria: Invitae Variant Classification Sherloc (09022015). Collection method: clinical testing. Allele origin: germline.
Comment: This sequence change replaces leucine, which is neutral and non-polar, with valine, which is neutral and non-polar, at codon 414 of the IKBKB protein (p.Leu414Val). This variant is not present in population databases (gnomAD no frequency). This variant has not been reported in the literature in individuals affected with IKBKB-related conditions. An algorithm developed to predict the effect of missense changes on protein structure and function (PolyPhen-2) suggests that this variant is likely to be tolerated. In summary, the available evidence is currently insufficient to determine the role of this variant in disease. Therefore, it has been classified as a Variant of Uncertain Significance.